The following is an entry in ClinVar:

NM_001430.5(EPAS1):c.58C>T (p.Arg20Trp)

Gene: EPAS1 (endothelial PAS domain protein 1; plus strand). Cytogenetic location: 2p21.
Variant type: single nucleotide variant.
Coding change: c.58C>T on transcript NM_001430.5 (MANE Select); coding-DNA position 58, C replaced by T.
Protein change: p.Arg20Trp; replaces arginine 20 with tryptophan.
Molecular consequence: missense variant.
Genome position (GRCh38, 1-based): chr2:46,346,904, C>T. VCF-style: chr2-46346904-C-T. GRCh37 (hg19) VCF-style: chr2-46574043-C-T.
Other names: short protein forms R20W.
Identifiers: ClinVar variation 2626657 (VCV002626657.2), dbSNP rs1394833849, ClinGen allele CA346696871.

ClinVar aggregate classification (germline): Uncertain significance (1 of 4 stars; one submission).

Conditions:
Inborn genetic diseases. Identifiers: MedGen C0950123, MeSH D030342.

Allele frequency attached by ClinVar (database versions not stated): gnomAD exomes below 0.00001.

Submission:

Ambry Genetics
Classification: Uncertain significance for Inborn genetic diseases. Last evaluated: 2023-07-30. Review status: criteria provided, single submitter. Criteria: Ambry Variant Classification Scheme 2023. Collection method: clinical testing. Allele origin: germline.
Comment: The p.R20W variant (also known as c.58C>T), located in coding exon 2 of the EPAS1 gene, results from a C to T substitution at nucleotide position 58. The arginine at codon 20 is replaced by tryptophan, an amino acid with dissimilar properties. This amino acid position is conserved. In addition, the in silico prediction for this alteration is inconclusive. Since supporting evidence is limited at this time, the clinical significance of this alteration remains unclear.